The following is an entry in ClinVar:

NM_000548.5(TSC2):c.3398-140C>T

Gene: TSC2 (TSC complex subunit 2; plus strand). Cytogenetic location: 16p13.3.
Variant type: single nucleotide variant.
Coding change: c.3398-140C>T on transcript NM_000548.5 (MANE Select); 140 bases into the intron before coding-DNA position 3398, C replaced by T.
Molecular consequence: intron variant.
Genome position (GRCh38, 1-based): chr16:2,080,025, C>T. VCF-style: chr16-2080025-C-T. GRCh37 (hg19) VCF-style: chr16-2130026-C-T.
Other names: c.3398-140C>T (NM_001114382.3); c.3269-140C>T (NM_021055.3, NM_001370405.1, NM_001363528.2); c.3266-140C>T (NM_001370404.1, NM_001077183.3); c.3158-140C>T (NM_001318827.2); c.2666-140C>T (NM_001318831.2); c.3122-140C>T (NM_001318829.2); c.3299-140C>T (NM_001318832.2).
Identifiers: ClinVar variation 674435 (VCV000674435.2), dbSNP rs56725934, ClinGen allele CA14309700.
Genomic context (GRCh38, chr16:2,080,025, plus strand): 5'-GACAGGTTCTGGGTCCCTCCCTGTGGCCCTGGGTTCACTGAGGCCAGCACTGTGGTGGGC[C>T]GTGCCCCAAGGGCAGAGCTGCCACCGTCTCTGGCTGCCTGTGGCACTAGCTTGCCAGGCT-3'

ClinVar aggregate classification (germline): Benign. Review status: criteria provided, multiple submitters, no conflicts (2 of 4 stars). 2 submissions from 2 submitters: Benign (2). Last evaluated 2018-06-18.

Allele frequency attached by ClinVar (database versions not stated): gnomAD 0.02442 and 0.02621; TOPMed 0.02784; 1000 Genomes Project 0.02935; 1000 Genomes Project 30x 0.03014.
gnomAD v4.1: 6,469 of 1,170,806 alleles (0.55%); highest among the groups gnomAD compares: African/African-American, 8.3%; 249 homozygotes.

Submissions (2):

GeneDx
Classification: Benign. Last evaluated: 2018-06-18. Review status: criteria provided, single submitter. Criteria: GeneDx Variant Classification (06012015). Collection method: clinical testing. Allele origin: germline. Affected: yes.
Comment: This variant is considered likely benign or benign based on one or more of the following criteria: it is a conservative change, it occurs at a poorly conserved position in the protein, it is predicted to be benign by multiple in silico algorithms, and/or has population frequency not consistent with disease.

Breakthrough Genomics
Classification: Benign. Review status: criteria provided, single submitter. Criteria: ACMG Guidelines, 2015. Collection method: not provided. Allele origin: germline. Inheritance: Autosomal dominant inheritance. Affected: yes.